The following is an entry in ClinVar:

ClinVar aggregate classification (germline): Uncertain significance (1 of 4 stars; one submission).

Conditions:
Inborn genetic diseases. Identifiers: MedGen C0950123, MeSH D030342.

Submission:

Ambry Genetics
Classification: Uncertain significance for Inborn genetic diseases. Last evaluated: 2025-02-06. Review status: criteria provided, single submitter. Criteria: Ambry Variant Classification Scheme 2023. Collection method: clinical testing. Allele origin: germline.
Comment: The p.A440V variant (also known as c.1319C>T), located in coding exon 15 of the RTEL1 gene, results from a C to T substitution at nucleotide position 1319. The alanine at codon 440 is replaced by valine, an amino acid with similar properties. This amino acid position is conserved. In addition, this alteration is predicted to be tolerated by in silico analysis. Based on the available evidence, the clinical significance of this variant remains unclear.

NM_001283009.2(RTEL1):c.1319C>T (p.Ala440Val)

Genes: RTEL1 (regulator of telomere elongation helicase 1; plus strand), RTEL1-TNFRSF6B (RTEL1-TNFRSF6B readthrough (NMD candidate); plus strand). Cytogenetic location: 20q13.33.
Variant type: single nucleotide variant.
Coding change: c.1319C>T on transcript NM_001283009.2 (MANE Select); coding-DNA position 1319, C replaced by T.
Protein change: p.Ala440Val; replaces alanine 440 with valine.
Molecular consequence: missense variant. On other transcripts: non-coding transcript variant (1).
Genome position (GRCh38, 1-based): chr20:63,685,843, C>T. VCF-style: chr20-63685843-C-T. GRCh37 (hg19) VCF-style: chr20-62317196-C-T.
Other names: c.650C>T, p.Ala217Val (NM_001283010.1); c.1319C>T, p.Ala440Val (NM_016434.4); c.1391C>T, p.Ala464Val (NM_032957.5); short protein forms A217V, A464V, A440V.
Identifiers: ClinVar variation 3791122 (VCV003791122.1).
Genomic context (GRCh38, chr20:63,685,843, plus strand): 5'-CCCTCCAGGTGCACATCCATCCTGATGCTGGTCACCGGAGGACGGCTCAGCGGTCTGATG[C>T]CTGGAGCACCACTGCAGCCAGAAAGCGAGGTACAGACCTGGGCCCACACGCTCCCCGCCC-3'
Protein context (NP_001269938.1, residues 430-450): GHRRTAQRSD[Ala440Val]WSTTAARKRG